The following is an entry in ClinVar:

NM_022455.5(NSD1):c.5738A>T (p.Asn1913Ile)

Gene: NSD1 (nuclear receptor binding SET domain protein 1; plus strand). Cytogenetic location: 5q35.3.
Variant type: single nucleotide variant.
Coding change: c.5738A>T on transcript NM_022455.5 (MANE Select); coding-DNA position 5738, A replaced by T.
Protein change: p.Asn1913Ile; replaces asparagine 1913 with isoleucine.
Molecular consequence: missense variant.
Genome position (GRCh38, 1-based): chr5:177,280,680, A>T. VCF-style: chr5-177280680-A-T. GRCh37 (hg19) VCF-style: chr5-176707681-A-T.
Other names: c.4865A>T, p.Asn1622Ile (NM_001365684.2, NM_001409308.1, NM_001409309.1 and 1 more transcripts); c.5738A>T, p.Asn1913Ile (NM_001409301.1, NM_001409302.1, NM_001409303.1); c.5318A>T, p.Asn1773Ile (NM_001409304.1); c.4985A>T, p.Asn1662Ile (NM_001409305.1); c.4976A>T, p.Asn1659Ile (NM_001409306.1, NM_001409307.1); short protein forms N1662I, N1622I, N1644I, N1659I, N1773I, N1913I.
Identifiers: ClinVar variation 2122221 (VCV002122221.4), dbSNP rs2127257170, ClinGen allele CA362312941.
Genomic context (GRCh38, chr5:177,280,680, plus strand): 5'-CCCGTTGCAACTGTAAAGCTACTGATGAGAACCCCTGTGGGATAGACTCTGAATGCATCA[A>T]CCGCATGCTGCTCTATGAGTGCCACCCCACAGTGTGTCCTGCCGGAGGGCGCTGTCAAAA-3'
Protein context (NP_071900.2, residues 1903-1923): NPCGIDSECI[Asn1913Ile]RMLLYECHPT

ClinVar aggregate classification (germline): Likely pathogenic (1 of 4 stars; one submission).

Submission:

Labcorp Genetics (formerly Invitae), Labcorp
Classification: Likely pathogenic. Last evaluated: 2022-04-06. Review status: criteria provided, single submitter. Criteria: Invitae Variant Classification Sherloc (09022015). Collection method: clinical testing. Allele origin: germline.
Comment: In summary, the currently available evidence indicates that the variant is pathogenic, but additional data are needed to prove that conclusively. Therefore, this variant has been classified as Likely Pathogenic. This variant disrupts the p.Asn1913 amino acid residue in NSD1. Other variant(s) that disrupt this residue have been observed in individuals with NSD1-related conditions (PMID: 15452385, 21834047, 26043501), which suggests that this may be a clinically significant amino acid residue. Advanced modeling of protein sequence and biophysical properties (such as structural, functional, and spatial information, amino acid conservation, physicochemical variation, residue mobility, and thermodynamic stability) performed at Invitae indicates that this missense variant is expected to disrupt NSD1 protein function. This variant has not been reported in the literature in individuals affected with NSD1-related conditions. This variant is not present in population databases (gnomAD no frequency). This sequence change replaces asparagine, which is neutral and polar, with isoleucine, which is neutral and non-polar, at codon 1913 of the NSD1 protein (p.Asn1913Ile).

Literature cited by the submitters: PubMed 15452385; PubMed 21834047; PubMed 26043501.